The following is an entry in ClinVar:

NM_020937.4(FANCM):c.2152A>G (p.Asn718Asp)

Gene: FANCM (FA complementation group M; plus strand). Cytogenetic location: 14q21.2.
Variant type: single nucleotide variant.
Coding change: c.2152A>G on transcript NM_020937.4 (MANE Select); coding-DNA position 2152, A replaced by G.
Protein change: p.Asn718Asp; replaces asparagine 718 with aspartic acid.
Molecular consequence: missense variant.
Genome position (GRCh38, 1-based): chr14:45,170,738, A>G. VCF-style: chr14-45170738-A-G. GRCh37 (hg19) VCF-style: chr14-45639941-A-G.
Other names: c.2074A>G, p.Asn692Asp (NM_001308133.2); short protein forms N692D, N718D.
Identifiers: ClinVar variation 3848479 (VCV003848479.1).

ClinVar aggregate classification (germline): Uncertain significance (1 of 4 stars; one submission).

Conditions:
Inborn genetic diseases. Identifiers: MedGen C0950123, MeSH D030342.

Submission:

Ambry Genetics
Classification: Uncertain significance for Inborn genetic diseases. Last evaluated: 2024-12-12. Review status: criteria provided, single submitter. Criteria: Ambry Variant Classification Scheme 2023. Collection method: clinical testing. Allele origin: germline.
Comment: The p.N718D variant (also known as c.2152A>G), located in coding exon 12 of the FANCM gene, results from an A to G substitution at nucleotide position 2152. The asparagine at codon 718 is replaced by aspartic acid, an amino acid with highly similar properties. This amino acid position is conserved. In addition, this alteration is predicted to be tolerated by in silico analysis. Based on the available evidence, the clinical significance of this variant remains unclear.